The following is an entry in ClinVar:

NC_000001.10:g.(?_16057007)_(16060429_?)dup

Gene: PLEKHM2 (pleckstrin homology and RUN domain containing M2; plus strand). Cytogenetic location: 1p36.21.
Variant type: Duplication.
Identifiers: ClinVar variation 1468649 (VCV001468649.4).

ClinVar aggregate classification (germline): Uncertain significance (1 of 4 stars; one submission).

Conditions:
Dilated Cardiomyopathy, Recessive.

Submission:

Labcorp Genetics (formerly Invitae), Labcorp
Classification: Uncertain significance. Last evaluated: 2021-10-24. Review status: criteria provided, single submitter. Criteria: Invitae Variant Classification Sherloc (09022015). Collection method: clinical testing. Allele origin: germline.
Comment: In summary, the available evidence is currently insufficient to determine the role of this variant in disease. Therefore, it has been classified as a Variant of Uncertain Significance. Experimental studies and prediction algorithms are not available or were not evaluated, and the functional significance of this variant is currently unknown. This variant has not been reported in the literature in individuals affected with PLEKHM2-related conditions. This variant results in a copy number gain of the genomic region encompassing exon(s) 15-20 of the PLEKHM2 gene. This region includes the termination codon of the gene. This copy number gain extends beyond the assayed region for this gene and therefore may encompass additional genes. As the precise location of this event is unknown, it may be in tandem or it may be located elsewhere in the genome.